The following is an entry in ClinVar:

NM_006231.4(POLE):c.2927G>A (p.Arg976His)

Gene: POLE (DNA polymerase epsilon, catalytic subunit; minus strand). Cytogenetic location: 12q24.33.
Variant type: single nucleotide variant.
Coding change: c.2927G>A on transcript NM_006231.4 (MANE Select); coding-DNA position 2927, G replaced by A.
Protein change: p.Arg976His; replaces arginine 976 with histidine.
Molecular consequence: missense variant.
Genome position (GRCh38, 1-based): chr12:132,661,102, C>T on the plus strand (G>A on the coding strand, the complement: POLE is on the minus strand). VCF-style: chr12-132661102-C-T. GRCh37 (hg19) VCF-style: chr12-133237688-C-T.
Other names: short protein forms R976H.
Identifiers: ClinVar variation 240448 (VCV000240448.15), dbSNP rs878854857, ClinGen allele CA10583006.

ClinVar aggregate classification (germline): Uncertain significance. Review status: criteria provided, multiple submitters, no conflicts (2 of 4 stars). 3 submissions from 3 submitters: Uncertain significance (3). Last evaluated 2026-01-05.

Conditions:
Hereditary cancer-predisposing syndrome. Also called: Tumor predisposition; Neoplastic Syndromes, Hereditary; Hereditary Cancer Syndrome; Hereditary neoplastic syndrome. Identifiers: Orphanet 140162, MedGen C0027672, MeSH D009386, MONDO:0015356.

Allele frequency attached by ClinVar (database versions not stated): gnomAD 0.00001; gnomAD exomes 0.00001 and 0.00002; TOPMed 0.00003.
gnomAD v4.1: 15 of 1,613,732 alleles (0.00093%); highest among the groups gnomAD compares: East Asian, 0.0045%; no homozygotes.

Submissions (3):

Labcorp Genetics (formerly Invitae), Labcorp
Classification: Uncertain significance. Last evaluated: 2026-01-05. Review status: criteria provided, single submitter. Criteria: Invitae Variant Classification Sherloc (09022015). Collection method: clinical testing. Allele origin: germline.
Comment: This sequence change replaces arginine, which is basic and polar, with histidine, which is basic and polar, at codon 976 of the POLE protein (p.Arg976His). This variant is present in population databases (no rsID available, gnomAD 0.02%). This variant has not been reported in the literature in individuals affected with POLE-related conditions. ClinVar contains an entry for this variant (Variation ID: 240448). Invitae Evidence Modeling of protein sequence and biophysical properties (such as structural, functional, and spatial information, amino acid conservation, physicochemical variation, residue mobility, and thermodynamic stability) indicates that this missense variant is expected to disrupt POLE protein function with a positive predictive value of 80%. In summary, the available evidence is currently insufficient to determine the role of this variant in disease. Therefore, it has been classified as a Variant of Uncertain Significance.

Ambry Genetics
Classification: Uncertain significance for Hereditary cancer-predisposing syndrome. Last evaluated: 2024-12-06. Review status: criteria provided, single submitter. Criteria: Ambry Variant Classification Scheme 2023. Collection method: clinical testing. Allele origin: germline.
Comment: The p.R976H variant (also known as c.2927G>A), located in coding exon 25 of the POLE gene, results from a G to A substitution at nucleotide position 2927. The arginine at codon 976 is replaced by histidine, an amino acid with highly similar properties. This amino acid position is conserved. In addition, the in silico prediction for this alteration is inconclusive. Since supporting evidence is limited at this time, the clinical significance of this alteration remains unclear.

GeneDx
Classification: Uncertain significance. Last evaluated: 2024-02-28. Review status: criteria provided, single submitter. Criteria: GeneDx Variant Classification Process June 2021. Collection method: clinical testing. Allele origin: germline. Affected: yes.
Comment: Not observed at significant frequency in large population cohorts (gnomAD); In silico analysis supports that this missense variant has a deleterious effect on protein structure/function; Observed in a patient with head and neck carcinomas (HNSCC) (PMID: 34598035); This variant is associated with the following publications: (PMID: 20951805, 34598035)